The following is an entry in ClinVar:

NM_003900.5(SQSTM1):c.*66A>C

Gene: SQSTM1 (sequestosome 1; plus strand). Cytogenetic location: 5q35.3.
Variant type: single nucleotide variant.
Coding change: c.*66A>C on transcript NM_003900.5 (MANE Select); 66 bases downstream of the stop codon, A replaced by C.
Molecular consequence: 3 prime UTR variant.
Genome position (GRCh38, 1-based): chr5:179,836,659, A>C. VCF-style: chr5-179836659-A-C. GRCh37 (hg19) VCF-style: chr5-179263659-A-C.
Other names: c.*66A>C (NM_001142298.2, NM_001142299.2).
Identifiers: ClinVar variation 904054 (VCV000904054.4), dbSNP rs140407570, ClinGen allele CA3600923.

ClinVar aggregate classification (germline): Likely benign (1 of 4 stars; one submission).

Conditions:
Paget disease of bone 3. Identifiers: MedGen C4085252, MONDO:0008176, OMIM 167250.

Allele frequency attached by ClinVar (database versions not stated): gnomAD 0.00016 and 0.00028; TOPMed 0.00020; gnomAD exomes 0.00070; ExAC 0.00074; 1000 Genomes Project 30x 0.00141; 1000 Genomes Project 0.00180.
gnomAD v4.1: 672 of 1,610,884 alleles (0.042%); highest among the groups gnomAD compares: East Asian, 1.3%; 7 homozygotes.

Submission:

Illumina Laboratory Services, Illumina
Classification: Likely benign for Paget disease of bone 3. Last evaluated: 2018-01-12. Review status: criteria provided, single submitter. Criteria: ICSL Variant Classification Criteria 13 December 2019. Collection method: clinical testing. Allele origin: germline.
Comment: This variant was observed in the ICSL laboratory as part of a predisposition screen in an ostensibly healthy population. It had not been previously curated by ICSL or reported in the Human Gene Mutation Database (HGMD: prior to June 1st, 2018), and was therefore a candidate for classification through an automated scoring system. Utilizing variant allele frequency, disease prevalence and penetrance estimates, and inheritance mode, an automated score was calculated to assess if this variant is too frequent to cause the disease. Based on the score and internal cut-off values, a variant classified as likely benign is not then subjected to further curation. The score for this variant resulted in a classification of likely benign for this disease.